The following is an entry in ClinVar:

ClinVar aggregate classification (germline): Uncertain significance. Review status: criteria provided, multiple submitters, no conflicts (2 of 4 stars). 3 submissions from 3 submitters: Uncertain significance (3). Last evaluated 2024-02-16.

Conditions:
Polycystic liver disease 4 with or without kidney cysts. Identifiers: MedGen C4693479, MONDO:0044327, OMIM 617875.
Exudative vitreoretinopathy 4 (EVR4). Identifiers: Orphanet 891, MedGen C1866176, MONDO:0011151, OMIM 601813.
Osteoporosis with pseudoglioma (OPPG). Also called: osteoporosis-pseudoglioma syndrome. Identifiers: Orphanet 2788, MedGen C0432252, MONDO:0009820, OMIM 259770.
Autosomal dominant osteopetrosis 1 (OPTA1). Also called: OSTEOPETROSIS, AUTOSOMAL DOMINANT, TYPE I. Identifiers: Orphanet 2783, MedGen C1843330, MONDO:0011877, OMIM 607634.
Bone mineral density quantitative trait locus 1 (BMND1). Identifiers: MedGen C1866079, OMIM 601884.
Worth disease. Also called: Autosomal dominant osteosclerosis, Worth type; ENDOSTEAL HYPEROSTOSIS, AUTOSOMAL DOMINANT; OSTEOSCLEROSIS, AUTOSOMAL DOMINANT. Identifiers: Orphanet 2790, MedGen C0432273, MONDO:0007764, OMIM 144750.

Allele frequency attached by ClinVar (database versions not stated): gnomAD exomes below 0.00001 and 0.00001; ExAC 0.00001; gnomAD 0.00001; TOPMed 0.00001.
gnomAD v4.1: 13 of 1,613,964 alleles (0.00081%); highest among the groups gnomAD compares: Non-Finnish European, 0.001%; no homozygotes.

Submissions (3):

Fulgent Genetics
Classification: Uncertain significance for Worth disease; Osteoporosis with pseudoglioma; Exudative vitreoretinopathy 4; Bone mineral density quantitative trait locus 1; Autosomal dominant osteopetrosis 1; Polycystic liver disease 4 with or without kidney cysts. Last evaluated: 2024-02-16. Review status: criteria provided, single submitter. Criteria: ACMG Guidelines, 2015. Collection method: clinical testing. Allele origin: germline.

Labcorp Genetics (formerly Invitae), Labcorp
Classification: Uncertain significance. Last evaluated: 2020-07-01. Review status: criteria provided, single submitter. Criteria: Invitae Variant Classification Sherloc (09022015). Collection method: clinical testing. Allele origin: germline.
Comment: This variant has not been reported in the literature in individuals with LRP5-related conditions. This variant is present in population databases (rs751720886, ExAC 0.002%). This sequence change replaces valine with leucine at codon 713 of the LRP5 protein (p.Val713Leu). The valine residue is weakly conserved and there is a small physicochemical difference between valine and leucine. Algorithms developed to predict the effect of missense changes on protein structure and function are either unavailable or do not agree on the potential impact of this missense change (SIFT: "Deleterious"; PolyPhen-2: "Benign"; Align-GVGD: "Class C0"). In summary, the available evidence is currently insufficient to determine the role of this variant in disease. Therefore, it has been classified as a Variant of Uncertain Significance.

Johns Hopkins Genomics, Johns Hopkins University
Classification: Uncertain significance for Polycystic liver disease 4 with or without kidney cysts. Last evaluated: 2020-01-09. Review status: criteria provided, single submitter. Criteria: ACMG Guidelines, 2015. Collection method: clinical testing. Allele origin: germline.

NM_002335.4(LRP5):c.2137G>C (p.Val713Leu)

Gene: LRP5 (LDL receptor related protein 5; plus strand). Cytogenetic location: 11q13.2.
Variant type: single nucleotide variant.
Coding change: c.2137G>C on transcript NM_002335.4 (MANE Select); coding-DNA position 2137, G replaced by C.
Protein change: p.Val713Leu; replaces valine 713 with leucine.
Molecular consequence: missense variant.
Genome position (GRCh38, 1-based): chr11:68,409,959, G>C. VCF-style: chr11-68409959-G-C. GRCh37 (hg19) VCF-style: chr11-68177427-G-C.
Other names: c.394G>C, p.Val132Leu (NM_001291902.2); short protein forms V132L, V713L.
Identifiers: ClinVar variation 932911 (VCV000932911.12), dbSNP rs751720886, ClinGen allele CA6149548.